The following is an entry in ClinVar:

NM_000051.4(ATM):c.8267del (p.Lys2756fs)

Genes: ATM (ATM serine/threonine kinase; plus strand), C11orf65 (chromosome 11 open reading frame 65; minus strand). Cytogenetic location: 11q22.3.
Variant type: Deletion.
Coding change: c.8267del on transcript NM_000051.4 (MANE Select); coding-DNA position 8267, one base deleted (A; older notation c.8267delA).
Protein change: p.Lys2756fs; shifts the reading frame from lysine 2756.
Molecular consequence: frameshift variant. On other transcripts: intron variant (2).
Genome position (GRCh38, 1-based): chr11:108,335,960, A deleted; the last of 2 consecutive A bases (chr11:108,335,959-108,335,960); deleting either gives the same sequence. VCF-style (leftmost placement, unchanged base first): chr11-108335958-TA-T. GRCh37 (hg19) VCF-style: chr11-108206685-TA-T.
Other names: c.8267del, p.Lys2756fs (NM_001351834.2); c.641-26888del (NM_001330368.2); c.695-667del (NM_001351110.2); short protein forms K2756fs.
Identifiers: ClinVar variation 1762681 (VCV001762681.2), dbSNP rs2547349234, ClinGen allele CA2580083143.

ClinVar aggregate classification (germline): Pathogenic (1 of 4 stars; one submission).

Conditions:
Hereditary cancer-predisposing syndrome. Also called: Hereditary neoplastic syndrome; Neoplastic Syndromes, Hereditary; Tumor predisposition; Hereditary Cancer Syndrome. Identifiers: Orphanet 140162, MedGen C0027672, MeSH D009386, MONDO:0015356.

Submission:

Ambry Genetics
Classification: Pathogenic for Hereditary cancer-predisposing syndrome. Last evaluated: 2022-07-18. Review status: criteria provided, single submitter. Criteria: Ambry Variant Classification Scheme 2023. Collection method: clinical testing. Allele origin: germline.
Comment: The c.8267delA pathogenic mutation, located in coding exon 55 of the ATM gene, results from a deletion of one nucleotide at nucleotide position 8267, causing a translational frameshift with a predicted alternate stop codon (p.K2756Rfs*50). This variant is considered to be rare based on population cohorts in the Genome Aggregation Database (gnomAD). This alteration is expected to result in loss of function by premature protein truncation or nonsense-mediated mRNA decay. As such, this alteration is interpreted as a disease-causing mutation.